The following is an entry in ClinVar:

ClinVar aggregate classification (germline): Pathogenic (1 of 4 stars; one submission).

Conditions:
Rare genetic deafness. Identifiers: Orphanet 96210, MedGen C5680250.

Submission:

Laboratory for Molecular Medicine, Mass General Brigham Personalized Medicine
Classification: Pathogenic for Rare genetic deafness. Last evaluated: 2020-12-15. Review status: criteria provided, single submitter. Criteria: LMM Criteria. Collection method: clinical testing. Allele origin: germline. Inheritance: Autosomal recessive inheritance. Observed: 1 variant allele.
Comment: It has been identified in 0.03% (2/5996) of Latino / Admixed American chromosomes by gnomAD, though it was noted that this variant is covered in fewer than 50% of individuals in gnomAD v2.1.1 exomes, and therefore the allele frequency estimate may not be reliable. This variant is predicted to cause a frameshift, which alters the proteinâ€™s amino acid sequence beginning at position 786 and leads to a premature termination codon 29 amino acids downstream. This alteration is then predicted to lead to a truncated or absent protein. Loss of function of the STRC gene is an established disease mechanism in autosomal recessive sensorineural hearing loss. In summary, this variant meets criteria to be classified as pathogenic for autosomal recessive sensorineural hearing loss. ACMG/AMP Criteria applied: PVS1, PM3, PM2_Supporting.

NM_153700.2(STRC):c.2356del (p.Leu786fs)

Gene: STRC (stereocilin; minus strand). Cytogenetic location: 15q15.3.
Variant type: Deletion.
Coding change: c.2356del on transcript NM_153700.2 (MANE Select); coding-DNA position 2356, one base deleted (C; older notation c.2356delC).
Protein change: p.Leu786fs; shifts the reading frame from leucine 786.
Molecular consequence: frameshift variant.
Genome position (GRCh38, 1-based): chr15:43,614,011, G deleted on the plus strand (C on the coding strand, the reverse complement: STRC is on the minus strand); the first of 3 consecutive G bases (chr15:43,614,011-43,614,013); deleting any one gives the same sequence. VCF-style (leftmost placement, unchanged base first): chr15-43614010-AG-A. GRCh37 (hg19) VCF-style: chr15-43906208-AG-A.
Other names: short protein forms L786fs.
Identifiers: ClinVar variation 1120086 (VCV001120086.4), dbSNP rs1432916745, ClinGen allele CA618004246.